The following is an entry in ClinVar:

ClinVar aggregate classification (germline): Uncertain significance (1 of 4 stars; one submission).

Allele frequency attached by ClinVar (database versions not stated): TOPMed 0.00001; ExAC 0.00002; gnomAD exomes 0.00002; gnomAD 0.00003 and 0.00004; 1000 Genomes Project 30x 0.00016; 1000 Genomes Project 0.00020.
gnomAD v4.1: 28 of 1,614,216 alleles (0.0017%); highest among the groups gnomAD compares: East Asian, 0.0022%; no homozygotes.

Submission:

Labcorp Genetics (formerly Invitae), Labcorp
Classification: Uncertain significance. Last evaluated: 2024-02-23. Review status: criteria provided, single submitter. Criteria: Invitae Variant Classification Sherloc (09022015). Collection method: clinical testing. Allele origin: germline.
Comment: This sequence change replaces arginine, which is basic and polar, with tryptophan, which is neutral and slightly polar, at codon 1441 of the CEP250 protein (p.Arg1441Trp). This variant is present in population databases (rs533821058, gnomAD 0.005%). This variant has not been reported in the literature in individuals affected with CEP250-related conditions. ClinVar contains an entry for this variant (Variation ID: 1376101). An algorithm developed to predict the effect of missense changes on protein structure and function (PolyPhen-2) suggests that this variant is likely to be disruptive. In summary, the available evidence is currently insufficient to determine the role of this variant in disease. Therefore, it has been classified as a Variant of Uncertain Significance.

NM_007186.6(CEP250):c.4321C>T (p.Arg1441Trp)

Gene: CEP250 (centrosomal protein 250; plus strand). Cytogenetic location: 20q11.22.
Variant type: single nucleotide variant.
Coding change: c.4321C>T on transcript NM_007186.6 (MANE Select); coding-DNA position 4321, C replaced by T.
Protein change: p.Arg1441Trp; replaces arginine 1441 with tryptophan.
Molecular consequence: missense variant.
Genome position (GRCh38, 1-based): chr20:35,502,690, C>T. VCF-style: chr20-35502690-C-T. GRCh37 (hg19) VCF-style: chr20-34090518-C-T.
Other names: c.2425C>T, p.Arg809Trp (NM_001318219.1); short protein forms R809W, R1441W.
Identifiers: ClinVar variation 1376101 (VCV001376101.7), dbSNP rs533821058, ClinGen allele CA9833700.